The following is an entry in ClinVar:

ClinVar aggregate classification (germline): Benign/Likely benign. Review status: criteria provided, multiple submitters, no conflicts (2 of 4 stars). 8 submissions from 7 submitters: Benign (2); Likely benign (6). Last evaluated 2025-12-31.

Conditions:
Hereditary cancer-predisposing syndrome. Also called: Neoplastic Syndromes, Hereditary; Hereditary Cancer Syndrome; Hereditary neoplastic syndrome; Tumor predisposition. Identifiers: Orphanet 140162, MedGen C0027672, MeSH D009386, MONDO:0015356.
Multiple endocrine neoplasia, type 2 (MEN2). Identifiers: Orphanet 653, MedGen C4048306, MONDO:0019003. Disease mechanism: gain of function.
Pheochromocytoma. Also called: MAX-Related Hereditary Paraganglioma-Pheochromocytoma Syndrome. Identifiers: Orphanet 29072, MedGen C0031511, MONDO:0008233, OMIM 171300, HP:0002666.
Multiple endocrine neoplasia type 2B. Also called: MUCOSAL NEUROMA SYNDROME; Multiple endocrine neoplasia, type 3; MULTIPLE ENDOCRINE NEOPLASIA, TYPE IIB; MEN 2B; Multiple Endocrine Neoplasia Type 2B (MEN2B); MEN IIB. Identifiers: Orphanet 247709, Orphanet 653, MedGen C0025269, MeSH D018814, MONDO:0008082, OMIM 162300.
Multiple endocrine neoplasia type 2A. Also called: MULTIPLE ENDOCRINE NEOPLASIA, TYPE IIA; PTC SYNDROME; SIPPLE SYNDROME; MEN 2A; MEN-2A syndrome; Pheochromocytoma and amyloid producing medullary thyroid carcinoma. Identifiers: Orphanet 247698, Orphanet 653, MedGen C0025268, MeSH D018813, MONDO:0008234, OMIM 171400.

Allele frequency attached by ClinVar (database versions not stated): gnomAD 0.00001; gnomAD exomes 0.00001 and 0.00008; ExAC 0.00002; TOPMed 0.00005.
gnomAD v4.1: 110 of 1,602,106 alleles (0.0069%); highest among the groups gnomAD compares: Non-Finnish European, 0.0089%; no homozygotes.

Submissions (8):

Labcorp Genetics (formerly Invitae), Labcorp
Classification: Likely benign for Multiple endocrine neoplasia, type 2. Last evaluated: 2025-12-31. Review status: criteria provided, single submitter. Criteria: Invitae Variant Classification Sherloc (09022015). Collection method: clinical testing. Allele origin: germline.

Myriad Genetics, Inc.
Classification: Benign for Multiple endocrine neoplasia type 2A. Last evaluated: 2025-02-25. Review status: criteria provided, single submitter. Criteria: Myriad Autosomal Dominant, Autosomal Recessive and X-Linked Classification Criteria (2023). Collection method: clinical testing. Allele origin: unknown.
Comment: This variant is considered benign. This variant is a silent/synonymous amino acid change and it is not expected to impact splicing.

KCCC/NGS Laboratory, Kuwait Cancer Control Center
Classification: Benign for Pheochromocytoma. Last evaluated: 2025-02-01. Review status: criteria provided, single submitter. Criteria: ACMG Guidelines, 2015. Collection method: clinical testing. Allele origin: germline. Affected: no.

All of Us Research Program, National Institutes of Health
Classification: Likely benign for Multiple endocrine neoplasia, type 2. Last evaluated: 2023-12-07. Review status: criteria provided, single submitter. Criteria: ACMG Guidelines, 2015. Collection method: clinical testing. Allele origin: germline. Inheritance: Autosomal dominant inheritance. Observed: 11 variant alleles, 11 heterozygotes.
Comment: This study involves interpretation of variants in research participants for the purpose of population health screening. Participant phenotype was not available at the time of variant classification. Additional details can be found in publication PMID: 35346344, PMCID: PMC8962531

KCCC/NGS Laboratory, Kuwait Cancer Control Center
Classification: Likely benign for Multiple endocrine neoplasia type 2B. Last evaluated: 2023-07-07. Review status: criteria provided, single submitter. Criteria: ACMG Guidelines, 2015. Collection method: clinical testing. Allele origin: germline. Affected: yes.

Color Diagnostics, LLC DBA Color Health
Classification: Likely benign for Multiple endocrine neoplasia, type 2. Last evaluated: 2022-11-06. Review status: criteria provided, single submitter. Criteria: ACMG Guidelines, 2015. Collection method: clinical testing. Allele origin: germline.

PreventionGenetics, part of Exact Sciences
Classification: Likely benign. Last evaluated: 2017-10-24. Review status: criteria provided, single submitter. Criteria: ACMG Guidelines, 2015. Collection method: clinical testing. Allele origin: germline.

Ambry Genetics
Classification: Likely benign for Hereditary cancer-predisposing syndrome. Last evaluated: 2017-08-24. Review status: criteria provided, single submitter. Criteria: Ambry Variant Classification Scheme 2023. Collection method: clinical testing. Allele origin: germline.

NM_020975.6(RET):c.1539G>A (p.Ala513=)

Gene: RET (ret proto-oncogene; plus strand). Cytogenetic location: 10q11.21.
Variant type: single nucleotide variant.
Coding change: c.1539G>A on transcript NM_020975.6 (MANE Select); coding-DNA position 1539, G replaced by A.
Protein change: p.Ala513=; no amino-acid change (alanine 513 retained).
Molecular consequence: synonymous variant.
Genome position (GRCh38, 1-based): chr10:43,112,115, G>A. VCF-style: chr10-43112115-G-A. GRCh37 (hg19) VCF-style: chr10-43607563-G-A.
Other names: c.1539G>A, p.Ala513= (NM_000323.2, NM_001406743.1, NM_001406744.1 and 6 more transcripts); c.777G>A, p.Ala259= (NM_001355216.2); c.1410G>A, p.Ala470= (NM_001406761.1, NM_001406762.1, NM_001406764.1 and 1 more transcripts); c.1251G>A, p.Ala417= (NM_001406766.1, NM_001406767.1, NM_001406770.1); c.1143G>A, p.Ala381= (NM_001406769.1, NM_001406772.1); c.1101G>A, p.Ala367= (NM_001406771.1, NM_001406773.1); c.1014G>A, p.Ala338= (NM_001406774.1); c.813G>A, p.Ala271= (NM_001406775.1, NM_001406776.1, NM_001406777.1 and 1 more transcripts); and 5 more.
Identifiers: ClinVar variation 477317 (VCV000477317.23), dbSNP rs761430718, ClinGen allele CA034362.